The following is an entry in ClinVar:

NM_000465.4(BARD1):c.39G>C (p.Arg13Ser)

Gene: BARD1 (BRCA1 associated RING domain 1; minus strand). Cytogenetic location: 2q35.
Variant type: single nucleotide variant.
Coding change: c.39G>C on transcript NM_000465.4 (MANE Select); coding-DNA position 39, G replaced by C.
Protein change: p.Arg13Ser; replaces arginine 13 with serine.
Molecular consequence: missense variant. On other transcripts: non-coding transcript variant (3).
Genome position (GRCh38, 1-based): chr2:214,809,531, C>G on the plus strand (G>C on the coding strand, the complement: BARD1 is on the minus strand). VCF-style: chr2-214809531-C-G. GRCh37 (hg19) VCF-style: chr2-215674255-C-G.
Other names: c.39G>C, p.Arg13Ser (NM_001282543.2, NM_001282545.2, NM_001282548.2 and 1 more transcripts); short protein forms R13S.
Identifiers: ClinVar variation 2045300 (VCV002045300.4), dbSNP rs770217979, ClinGen allele CA350465339.

ClinVar aggregate classification (germline): Uncertain significance (1 of 4 stars; one submission).

Conditions:
Familial cancer of breast. Also called: hereditary breast carcinoma; Hereditary breast cancer; BREAST CANCER, FAMILIAL. Identifiers: Orphanet 227535, MedGen C0346153, MONDO:0016419, OMIM 114480. Disease mechanism: loss of function.

Submission:

Labcorp Genetics (formerly Invitae), Labcorp
Classification: Uncertain significance for Familial cancer of breast. Last evaluated: 2021-12-17. Review status: criteria provided, single submitter. Criteria: Invitae Variant Classification Sherloc (09022015). Collection method: clinical testing. Allele origin: germline.
Comment: Algorithms developed to predict the effect of missense changes on protein structure and function are either unavailable or do not agree on the potential impact of this missense change (SIFT: "Deleterious"; PolyPhen-2: "Benign"; Align-GVGD: "Class C0"). In summary, the available evidence is currently insufficient to determine the role of this variant in disease. Therefore, it has been classified as a Variant of Uncertain Significance. This variant has not been reported in the literature in individuals affected with BARD1-related conditions. This sequence change replaces arginine, which is basic and polar, with serine, which is neutral and polar, at codon 13 of the BARD1 protein (p.Arg13Ser). This variant is not present in population databases (gnomAD no frequency).